The following is an entry in ClinVar:

NM_019109.5(ALG1):c.506G>A (p.Gly169Asp)

Gene: ALG1 (ALG1 chitobiosyldiphosphodolichol beta-mannosyltransferase; plus strand). Cytogenetic location: 16p13.3.
Variant type: single nucleotide variant.
Coding change: c.506G>A on transcript NM_019109.5 (MANE Select); coding-DNA position 506, G replaced by A.
Protein change: p.Gly169Asp; replaces glycine 169 with aspartic acid.
Molecular consequence: missense variant.
Genome position (GRCh38, 1-based): chr16:5,075,503, G>A. VCF-style: chr16-5075503-G-A. GRCh37 (hg19) VCF-style: chr16-5125504-G-A.
Other names: c.173G>A, p.Gly58Asp (NM_001330504.2); short protein forms G58D, G169D.
Identifiers: ClinVar variation 1359486 (VCV001359486.5), dbSNP rs2142707365, ClinGen allele CA394680768.

ClinVar aggregate classification (germline): Uncertain significance (1 of 4 stars; one submission).

Conditions:
ALG1-congenital disorder of glycosylation. Also called: CONGENITAL DISORDER OF GLYCOSYLATION, TYPE Ik; ALG1-CDG; CDG Ik. Identifiers: Orphanet 79327, MedGen C2931005, MONDO:0012052, OMIM 608540.

Allele frequency attached by ClinVar (database versions not stated): gnomAD 0.00001.
gnomAD v4.1: 2 of 1,614,148 alleles (0.00012%); highest among the groups gnomAD compares: Non-Finnish European, 0.00017%; no homozygotes.

Submission:

Labcorp Genetics (formerly Invitae), Labcorp
Classification: Uncertain significance for ALG1-congenital disorder of glycosylation. Last evaluated: 2022-08-09. Review status: criteria provided, single submitter. Criteria: Invitae Variant Classification Sherloc (09022015). Collection method: clinical testing. Allele origin: germline.
Comment: This sequence change replaces glycine, which is neutral and non-polar, with aspartic acid, which is acidic and polar, at codon 169 of the ALG1 protein (p.Gly169Asp). This variant is not present in population databases (gnomAD no frequency). This variant has not been reported in the literature in individuals affected with ALG1-related conditions. ClinVar contains an entry for this variant (Variation ID: 1359486). Advanced modeling of protein sequence and biophysical properties (such as structural, functional, and spatial information, amino acid conservation, physicochemical variation, residue mobility, and thermodynamic stability) performed at Invitae indicates that this missense variant is expected to disrupt ALG1 protein function. In summary, the available evidence is currently insufficient to determine the role of this variant in disease. Therefore, it has been classified as a Variant of Uncertain Significance.